The following is an entry in ClinVar:

ClinVar aggregate classification (germline): Likely pathogenic (1 of 4 stars; one submission).

Conditions:
Spinocerebellar ataxia type 6 (SCA6). Identifiers: Orphanet 98758, MedGen C0752124, MONDO:0008457, OMIM 183086.
Migraine, familial hemiplegic, 1. Also called: MIGRAINE, FAMILIAL HEMIPLEGIC 1, WITH PROGRESSIVE CEREBELLAR ATAXIA. Identifiers: Orphanet 569, MedGen C1832884, MONDO:0020756, OMIM 141500, MONDO:0007714.
Episodic ataxia type 2 (EA2). Also called: ATAXIA, EPISODIC, WITH NYSTAGMUS; ATAXIA, FAMILIAL PAROXYSMAL; CEREBELLAR ATAXIA, PAROXYSMAL, ACETAZOLAMIDE-RESPONSIVE; CEREBELLOPATHY, HEREDITARY PAROXYSMAL; ACETAZOLAMIDE-RESPONSIVE HEREDITARY PAROXYSMAL CEREBELLAR ATAXIA; EPISODIC ATAXIA, NYSTAGMUS-ASSOCIATED. Identifiers: Orphanet 97, MedGen C1720416, MONDO:0007163, OMIM 108500.
Developmental and epileptic encephalopathy, 42 (DEE42A). Also called: DEVELOPMENTAL AND EPILEPTIC ENCEPHALOPATHY 42A; EPILEPTIC ENCEPHALOPATHY, EARLY INFANTILE, 42A; Epileptic encephalopathy, early infantile, 42. Identifiers: MedGen C4310716, MONDO:0014917, OMIM 617106.

Submission:

Juno Genomics, Hangzhou Juno Genomics, Inc
Classification: Likely pathogenic for Spinocerebellar ataxia type 6; Developmental and epileptic encephalopathy, 42; Episodic ataxia type 2; Migraine, familial hemiplegic, 1. Review status: criteria provided, single submitter. Criteria: ACMG Guidelines, 2015. Collection method: clinical testing. Allele origin: germline.
Comment: Null variant in a gene where loss of function (LOF) is a known mechanism of disease.;Absent from controls (or at extremely low frequency if recessive) in Genome Aggregation Database.

NM_001127222.2(CACNA1A):c.2920G>T (p.Glu974Ter)

Gene: CACNA1A (calcium voltage-gated channel subunit alpha1 A; minus strand). Cytogenetic location: 19p13.13.
Variant type: single nucleotide variant.
Coding change: c.2920G>T on transcript NM_001127222.2 (MANE Select); coding-DNA position 2920, G replaced by T.
Protein change: p.Glu974Ter; replaces glutamic acid 974 with a stop codon.
Molecular consequence: nonsense.
Genome position (GRCh38, 1-based): chr19:13,298,713, C>A on the plus strand (G>T on the coding strand, the complement: CACNA1A is on the minus strand). VCF-style: chr19-13298713-C-A. GRCh37 (hg19) VCF-style: chr19-13409527-C-A.
Other names: c.2932G>T, p.Glu978Ter (NM_000068.4, NM_023035.3); c.2923G>T, p.Glu975Ter (NM_001127221.2, NM_001174080.2); short protein forms E975*, E974*, E978*.
Identifiers: ClinVar variation 5005936 (VCV005005936.2).